The following is an entry in ClinVar:

NM_000426.4(LAMA2):c.*57A>C

Gene: LAMA2 (laminin subunit alpha 2; plus strand). Cytogenetic location: 6q22.33.
Variant type: single nucleotide variant.
Coding change: c.*57A>C on transcript NM_000426.4 (MANE Select); 57 bases downstream of the stop codon, A replaced by C.
Molecular consequence: 3 prime UTR variant.
Genome position (GRCh38, 1-based): chr6:129,516,404, A>C. VCF-style: chr6-129516404-A-C. GRCh37 (hg19) VCF-style: chr6-129837549-A-C.
Other names: c.*57A>C (NM_001079823.2).
Identifiers: ClinVar variation 355309 (VCV000355309.6), dbSNP rs1049473, ClinGen allele CA10621374.

ClinVar aggregate classification (germline): Benign. Review status: criteria provided, multiple submitters, no conflicts (2 of 4 stars). 2 submissions from 2 submitters: Benign (2). Last evaluated 2018-06-29.

Conditions:
Congenital muscular dystrophy due to partial LAMA2 deficiency. Identifiers: MedGen C1842898.

Allele frequency attached by ClinVar (database versions not stated): gnomAD exomes 0.01153; gnomAD 0.01179 and 0.01501; TOPMed 0.01258; 1000 Genomes Project 30x 0.04778; 1000 Genomes Project 0.05092.
gnomAD v4.1: 18,178 of 1,523,584 alleles (1.2%); highest among the groups gnomAD compares: East Asian, 17%; 971 homozygotes.

Submissions (2):

GeneDx
Classification: Benign. Last evaluated: 2018-06-29. Review status: criteria provided, single submitter. Criteria: GeneDx Variant Classification Process June 2021. Collection method: clinical testing. Allele origin: germline. Affected: yes.

Illumina Laboratory Services, Illumina
Classification: Benign for Congenital muscular dystrophy due to partial LAMA2 deficiency. Last evaluated: 2018-01-13. Review status: criteria provided, single submitter. Criteria: ICSL Variant Classification Criteria 13 December 2019. Collection method: clinical testing. Allele origin: germline.
Comment: This variant was observed in the ICSL laboratory as part of a predisposition screen in an ostensibly healthy population. It had not been previously curated by ICSL or reported in the Human Gene Mutation Database (HGMD: prior to June 1st, 2018), and was therefore a candidate for classification through an automated scoring system. Utilizing variant allele frequency, disease prevalence and penetrance estimates, and inheritance mode, an automated score was calculated to assess if this variant is too frequent to cause the disease. Based on the score and internal cut-off values, a variant classified as benign is not then subjected to further curation. The score for this variant resulted in a classification of benign for this disease.